The following is an entry in ClinVar:

ClinVar aggregate classification (germline): Likely benign. Review status: criteria provided, multiple submitters, no conflicts (2 of 4 stars). 4 submissions from 4 submitters: Likely benign (4). Last evaluated 2025-11-17.

Conditions:
Muscular dystrophy-dystroglycanopathy (congenital with brain and eye anomalies), type A, 7. Also called: Congenital muscular dystrophy-dystroglycanopathy with brain and eye anomalies, type A7; WALKER-WARBURG SYNDROME OR MUSCLE-EYE-BRAIN DISEASE, ISPD-RELATED. Identifiers: Orphanet 899, MedGen C3553330, MONDO:0013835, OMIM 614643.
Autosomal recessive limb-girdle muscular dystrophy type 2U. Also called: Muscular dystrophy-dystroglycanopathy (limb-girdle), type c, 7; MUSCULAR DYSTROPHY, LIMB-GIRDLE, TYPE 2U. Identifiers: Orphanet 352479, MedGen C5190987, MONDO:0014474, OMIM 616052.

Allele frequency attached by ClinVar (database versions not stated): gnomAD exomes 0.00003 and 0.00007; ExAC 0.00010.
gnomAD v4.1: 36 of 1,594,188 alleles (0.0023%); highest among the groups gnomAD compares: South Asian, 0.038%; no homozygotes.

Submissions (4):

Labcorp Genetics (formerly Invitae), Labcorp
Classification: Likely benign for Muscular dystrophy-dystroglycanopathy (congenital with brain and eye anomalies), type A, 7; Autosomal recessive limb-girdle muscular dystrophy type 2U. Last evaluated: 2025-11-17. Review status: criteria provided, single submitter. Criteria: Invitae Variant Classification Sherloc (09022015). Collection method: clinical testing. Allele origin: germline.

CeGaT Center for Human Genetics Tuebingen
Classification: Likely benign. Last evaluated: 2025-11-01. Review status: criteria provided, single submitter. Criteria: CeGaT Center For Human Genetics Tuebingen Variant Classification Criteria Version 2. Collection method: clinical testing. Allele origin: germline. Affected: yes. Observed: 1 variant allele.
Comment: CRPPA: BP4, BP7

Blueprint Genetics
Classification: Likely benign. Last evaluated: 2023-08-29. Review status: criteria provided, single submitter. Criteria: ACMG Guidelines, 2015. Collection method: clinical testing. Allele origin: germline.

GeneDx
Classification: Likely benign. Last evaluated: 2018-01-15. Review status: criteria provided, single submitter. Criteria: GeneDx Variant Classification (06012015). Collection method: clinical testing. Allele origin: germline. Affected: yes.
Comment: This variant is considered likely benign or benign based on one or more of the following criteria: it is a conservative change, it occurs at a poorly conserved position in the protein, it is predicted to be benign by multiple in silico algorithms, and/or has population frequency not consistent with disease.

NM_001101426.4(CRPPA):c.1170C>T (p.Asn390=)

Genes: CRPPA (CDP-L-ribitol pyrophosphorylase A; minus strand), CRPPA-AS1 (CRPPA antisense RNA 1; plus strand). Cytogenetic location: 7p21.2.
Variant type: single nucleotide variant.
Coding change: c.1170C>T on transcript NM_001101426.4 (MANE Select); coding-DNA position 1170, C replaced by T.
Protein change: p.Asn390=; no amino-acid change (asparagine 390 retained).
Molecular consequence: synonymous variant. On other transcripts: non-coding transcript variant (1).
Genome position (GRCh38, 1-based): chr7:16,216,147, G>A on the plus strand (C>T on the coding strand, the complement: CRPPA is on the minus strand). VCF-style: chr7-16216147-G-A. GRCh37 (hg19) VCF-style: chr7-16255772-G-A.
Other names: c.1020C>T, p.Asn340= (NM_001101417.4); c.1065C>T, p.Asn355= (NM_001368197.1).
Identifiers: ClinVar variation 514544 (VCV000514544.13), dbSNP rs760178734, ClinGen allele CA4169362.